The following is an entry in ClinVar:

NM_001458.5(FLNC):c.699_699+4delinsTGGAAA

Gene: FLNC (filamin C; plus strand). Cytogenetic location: 7q32.1.
Variant type: Indel.
Coding change: c.699_699+4delinsTGGAAA on transcript NM_001458.5 (MANE Select); coding-DNA position 699 through 4 bases into the intron after coding-DNA position 699, GGTAC replaced by TGGAAA.
Molecular consequence: splice donor variant.
Genome position (GRCh38, 1-based): chr7:128,837,257-128,837,261, GGTAC replaced by TGGAAA. VCF-style: chr7-128837257-GGTAC-TGGAAA. GRCh37 (hg19) VCF-style: chr7-128477311-GGTAC-TGGAAA.
Other names: c.699_699+4delinsTGGAAA (NM_001127487.2).
Identifiers: ClinVar variation 3221752 (VCV003221752.1), dbSNP rs2536617731, ClinGen allele CA2825001522.

ClinVar aggregate classification (germline): Uncertain significance (1 of 4 stars; one submission).

Conditions:
Cardiovascular phenotype. Identifiers: MedGen CN230736.

Submission:

Ambry Genetics
Classification: Uncertain significance for Cardiovascular phenotype. Last evaluated: 2023-12-01. Review status: criteria provided, single submitter. Criteria: Ambry Variant Classification Scheme 2023. Collection method: clinical testing. Allele origin: germline.
Comment: The c.699_699+4delGGTACinsTGGAAA variant results from a deletion of five nucleotides and insertion of six nucleotides at positions c.699 to c.699_699+4 and involves the canonical splice donor site after coding exon 3 of the FLNC gene. In silico splice site analysis predicts that this alteration will weaken the native splice donor site and may result in the creation or strengthening of a novel splice donor site. The resulting transcript is predicted to be in-frame and is not expected to trigger nonsense-mediated mRNA decay; however, direct evidence is unavailable. The exact functional effect of the altered amino acid sequence is unknown. Since supporting evidence is limited at this time, the clinical significance of this alteration remains unclear.